The following is an entry in ClinVar:

NM_001395656.1(ROBO2):c.*985C>A

Gene: ROBO2 (roundabout guidance receptor 2; plus strand). Cytogenetic location: 3p12.3.
Variant type: single nucleotide variant.
Coding change: c.*985C>A on transcript NM_001395656.1 (MANE Select); 985 bases downstream of the stop codon, C replaced by A.
Molecular consequence: 3 prime UTR variant.
Genome position (GRCh38, 1-based): chr3:77,647,040, C>A. VCF-style: chr3-77647040-C-A. GRCh37 (hg19) VCF-style: chr3-77696191-C-A.
Other names: c.*985C>A (NM_001128929.3, NM_001290039.2, NM_001290040.2 and 14 more transcripts); c.*982C>A (NM_001378194.1, NM_001378196.1, NM_001378199.1 and 3 more transcripts).
Identifiers: ClinVar variation 346724 (VCV000346724.6), dbSNP rs114687906, ClinGen allele CA10616691.

ClinVar aggregate classification (germline): Benign (1 of 4 stars; one submission).

Conditions:
Vesicoureteral reflux 2 (VUR2). Identifiers: Orphanet 289365, MedGen C1970483, MONDO:0012573, OMIM 610878.

Allele frequency attached by ClinVar (database versions not stated): 1000 Genomes Project 0.00359; 1000 Genomes Project 30x 0.00359; TOPMed 0.00542.

Submission:

Illumina Laboratory Services, Illumina
Classification: Benign for Vesicoureteral reflux 2. Last evaluated: 2018-01-13. Review status: criteria provided, single submitter. Criteria: ICSL Variant Classification Criteria 13 December 2019. Collection method: clinical testing. Allele origin: germline.
Comment: This variant was observed in the ICSL laboratory as part of a predisposition screen in an ostensibly healthy population. It had not been previously curated by ICSL or reported in the Human Gene Mutation Database (HGMD: prior to June 1st, 2018), and was therefore a candidate for classification through an automated scoring system. Utilizing variant allele frequency, disease prevalence and penetrance estimates, and inheritance mode, an automated score was calculated to assess if this variant is too frequent to cause the disease. Based on the score and internal cut-off values, a variant classified as benign is not then subjected to further curation. The score for this variant resulted in a classification of benign for this disease.